The following is an entry in ClinVar:

ClinVar aggregate classification (germline): Uncertain significance (1 of 4 stars; one submission).

Conditions:
Dilated cardiomyopathy 1W (CMD1W). Identifiers: Orphanet 154, MedGen C1969639, MONDO:0012667, OMIM 611407.

Submission:

Labcorp Genetics (formerly Invitae), Labcorp
Classification: Uncertain significance for Dilated cardiomyopathy 1W. Last evaluated: 2024-09-06. Review status: criteria provided, single submitter. Criteria: Invitae Variant Classification Sherloc (09022015). Collection method: clinical testing. Allele origin: germline.
Comment: This sequence change replaces arginine, which is basic and polar, with methionine, which is neutral and non-polar, at codon 769 of the VCL protein (p.Arg769Met). This variant is not present in population databases (gnomAD no frequency). This variant has not been reported in the literature in individuals affected with VCL-related conditions. An algorithm developed to predict the effect of missense changes on protein structure and function (PolyPhen-2) suggests that this variant is likely to be disruptive. In summary, the available evidence is currently insufficient to determine the role of this variant in disease. Therefore, it has been classified as a Variant of Uncertain Significance.

NM_014000.3(VCL):c.2306G>T (p.Arg769Met)

Gene: VCL (vinculin; plus strand). Cytogenetic location: 10q22.2.
Variant type: single nucleotide variant.
Coding change: c.2306G>T on transcript NM_014000.3 (MANE Select); coding-DNA position 2306, G replaced by T.
Protein change: p.Arg769Met; replaces arginine 769 with methionine.
Molecular consequence: missense variant.
Genome position (GRCh38, 1-based): chr10:74,105,225, G>T. VCF-style: chr10-74105225-G-T. GRCh37 (hg19) VCF-style: chr10-75864983-G-T.
Other names: c.2306G>T, p.Arg769Met (NM_003373.4); short protein forms R769M.
Identifiers: ClinVar variation 3609096 (VCV003609096.2).